The following is an entry in ClinVar:

ClinVar aggregate classification (germline): Uncertain significance (1 of 4 stars; one submission).

Conditions:
Hereditary cancer-predisposing syndrome. Also called: Hereditary Cancer Syndrome; Neoplastic Syndromes, Hereditary; Tumor predisposition; Hereditary neoplastic syndrome. Identifiers: Orphanet 140162, MedGen C0027672, MeSH D009386, MONDO:0015356.

Submission:

Ambry Genetics
Classification: Uncertain significance for Hereditary cancer-predisposing syndrome. Last evaluated: 2022-12-09. Review status: criteria provided, single submitter. Criteria: Ambry Variant Classification Scheme 2023. Collection method: clinical testing. Allele origin: germline.
Comment: The p.F169S variant (also known as c.506T>C), located in coding exon 2 of the BLM gene, results from a T to C substitution at nucleotide position 506. The phenylalanine at codon 169 is replaced by serine, an amino acid with highly dissimilar properties. This amino acid position is well conserved in available vertebrate species. In addition, the in silico prediction for this alteration is inconclusive. Since supporting evidence is limited at this time, the clinical significance of this alteration remains unclear.

NM_000057.4(BLM):c.506T>C (p.Phe169Ser)

Gene: BLM (BLM RecQ like helicase; plus strand). Cytogenetic location: 15q26.1.
Variant type: single nucleotide variant.
Coding change: c.506T>C on transcript NM_000057.4 (MANE Select); coding-DNA position 506, T replaced by C.
Protein change: p.Phe169Ser; replaces phenylalanine 169 with serine.
Molecular consequence: missense variant. On other transcripts: 5 prime UTR variant (1).
Genome position (GRCh38, 1-based): chr15:90,749,774, T>C. VCF-style: chr15-90749774-T-C. GRCh37 (hg19) VCF-style: chr15-91293004-T-C.
Other names: c.506T>C, p.Phe169Ser (NM_001287246.2, NM_001287247.2); c.-786T>C (NM_001287248.2); short protein forms F169S.
Identifiers: ClinVar variation 1745156 (VCV001745156.3), dbSNP rs1013299710, ClinGen allele CA393840936.
Genomic context (GRCh38, chr15:90,749,774, plus strand): 5'-GTACCATCAATGATTGGGATGATATGGATGACTTTGATACTTCTGAGACTTCAAAATCAT[T>C]TGTTACACCACCCCAAAGTCACTTTGTAAGAGTAAGCACTGCTCAGAAATCAAAAAAGGG-3'
Protein context (NP_000048.1, residues 159-179): DFDTSETSKS[Phe169Ser]VTPPQSHFVR